The following is an entry in ClinVar:

NM_001429.4(EP300):c.7131dup (p.Ser2378Ter)

Gene: EP300 (EP300 lysine acetyltransferase; plus strand). Cytogenetic location: 22q13.2.
Variant type: Duplication.
Coding change: c.7131dup on transcript NM_001429.4 (MANE Select); coding-DNA position 7131, one base duplicated (T; older notation c.7131dupT).
Protein change: p.Ser2378Ter; replaces serine 2378 with a stop codon.
Molecular consequence: nonsense.
Genome position (GRCh38, 1-based): chr22:41,178,842, T duplicated. VCF-style (leftmost placement, unchanged base first): chr22-41178841-C-CT. GRCh37 (hg19) VCF-style: chr22-41574845-C-CT.
Other names: c.7053dup, p.Ser2352Ter (NM_001362843.2); short protein forms S2352*, S2378*.
Identifiers: ClinVar variation 2719896 (VCV002719896.3), dbSNP rs2517836154, ClinGen allele CA2697552784.

ClinVar aggregate classification (germline): Uncertain significance (1 of 4 stars; one submission).

Conditions:
Rubinstein-Taybi syndrome due to EP300 haploinsufficiency. Also called: RUBINSTEIN-TAYBI SYNDROME 2; EP300-Related Rubinstein-Taybi Syndrome. Identifiers: Orphanet 353284, Orphanet 783, MedGen C3150941, MONDO:0013364, OMIM 613684.

Submission:

Labcorp Genetics (formerly Invitae), Labcorp
Classification: Uncertain significance for Rubinstein-Taybi syndrome due to EP300 haploinsufficiency. Last evaluated: 2023-06-20. Review status: criteria provided, single submitter. Criteria: Invitae Variant Classification Sherloc (09022015). Collection method: clinical testing. Allele origin: germline.
Comment: In summary, the available evidence is currently insufficient to determine the role of this variant in disease. Therefore, it has been classified as a Variant of Uncertain Significance. Experimental studies and prediction algorithms are not available or were not evaluated, and the functional significance of this variant is currently unknown. This variant has not been reported in the literature in individuals affected with EP300-related conditions. This variant is not present in population databases (gnomAD no frequency). This sequence change creates a premature translational stop signal (p.Ser2378*) in the EP300 gene. While this is not anticipated to result in nonsense mediated decay, it is expected to disrupt the last 37 amino acid(s) of the EP300 protein.